The following is an entry in ClinVar:

ClinVar aggregate classification (germline): Uncertain significance (1 of 4 stars; one submission).

Conditions:
Inborn genetic diseases. Identifiers: MedGen C0950123, MeSH D030342.

Submission:

Ambry Genetics
Classification: Uncertain significance for Inborn genetic diseases. Last evaluated: 2025-08-07. Review status: criteria provided, single submitter. Criteria: Ambry Variant Classification Scheme 2023. Collection method: clinical testing. Allele origin: germline.
Comment: The p.R1566G variant (also known as c.4696A>G), located in coding exon 31 of the ANKRD26 gene, results from an A to G substitution at nucleotide position 4696. The arginine at codon 1566 is replaced by glycine, an amino acid with dissimilar properties. This amino acid position is conserved. In addition, this alteration is predicted to be tolerated by in silico analysis. Based on the available evidence, the clinical significance of this variant remains unclear.

NM_014915.3(ANKRD26):c.4696A>G (p.Arg1566Gly)

Gene: ANKRD26 (ankyrin repeat domain containing 26; minus strand). Cytogenetic location: 10p12.1.
Variant type: single nucleotide variant.
Coding change: c.4696A>G on transcript NM_014915.3 (MANE Select); coding-DNA position 4696, A replaced by G.
Protein change: p.Arg1566Gly; replaces arginine 1566 with glycine.
Molecular consequence: missense variant.
Genome position (GRCh38, 1-based): chr10:27,014,522, T>C on the plus strand (A>G on the coding strand, the complement: ANKRD26 is on the minus strand). VCF-style: chr10-27014522-T-C. GRCh37 (hg19) VCF-style: chr10-27303451-T-C.
Other names: c.4693A>G, p.Arg1565Gly (NM_001256053.2); short protein forms R1566G, R1565G.
Identifiers: ClinVar variation 4104042 (VCV004104042.1).